The following is an entry in ClinVar:

ClinVar aggregate classification (germline): Uncertain significance (1 of 4 stars; one submission).

Submission:

Dasa
Classification: Uncertain significance. Last evaluated: 2026-03-19. Review status: criteria provided, single submitter. Criteria: DASA Assertion Criteria. Collection method: clinical testing. Allele origin: germline.
Comment: NM_001079668.3(NKX2-1):c.957G>C (p.Gln319His) is a missense variant that results in the substitution of glutamine with histidine. This variant is rare in population databases. The currently available literature and clinical evidence are not sufficient to establish a definitive association between this variant and the reported condition. Therefore, this variant is classified as a variant of uncertain significance.

NM_001079668.3(NKX2-1):c.957G>C (p.Gln319His)

Genes: NKX2-1 (NK2 homeobox 1; minus strand), SFTA3 (surfactant associated 3; minus strand). Cytogenetic location: 14q13.3.
Variant type: single nucleotide variant.
Coding change: c.957G>C on transcript NM_001079668.3 (MANE Select); coding-DNA position 957, G replaced by C.
Protein change: p.Gln319His; replaces glutamine 319 with histidine.
Molecular consequence: missense variant.
Genome position (GRCh38, 1-based): chr14:36,517,527, C>G on the plus strand (G>C on the coding strand, the complement: NKX2-1 is on the minus strand). VCF-style: chr14-36517527-C-G. GRCh37 (hg19) VCF-style: chr14-36986732-C-G.
Other names: c.867G>C, p.Gln289His (NM_003317.4); short protein forms Q289H, Q319H.
Identifiers: ClinVar variation 4882958 (VCV004882958.2).